The following is an entry in ClinVar:

ClinVar aggregate classification (germline): Benign (0 of 4 stars; one submission).

Conditions:
MUC16-related disorder. Also called: MUC16-related condition.

Allele frequency attached by ClinVar (database versions not stated): gnomAD exomes 0.00046; ExAC 0.00156; 1000 Genomes Project 0.00399; 1000 Genomes Project 30x 0.00406; ESP Exome Variant Server 0.00474; gnomAD 0.00531; TOPMed 0.00597.

Submission:

PreventionGenetics, part of Exact Sciences
Classification: Benign for MUC16-related condition. Last evaluated: 2019-07-30. Review status: no assertion criteria provided. Collection method: clinical testing. Allele origin: germline.
Comment: This variant is classified as benign based on ACMG/AMP sequence variant interpretation guidelines (Richards et al. 2015 PMID: 25741868, with internal and published modifications).

NM_001401501.2(MUC16):c.8184G>A (p.Met2728Ile)

Gene: MUC16 (mucin 16, cell surface associated; minus strand). Cytogenetic location: 19p13.2.
Variant type: single nucleotide variant.
Coding change: c.8184G>A on transcript NM_001401501.2 (MANE Select); coding-DNA position 8184, G replaced by A.
Protein change: p.Met2728Ile; replaces methionine 2728 with isoleucine.
Molecular consequence: missense variant.
Genome position (GRCh38, 1-based): chr19:8,973,075, C>T on the plus strand (G>A on the coding strand, the complement: MUC16 is on the minus strand). VCF-style: chr19-8973075-C-T. GRCh37 (hg19) VCF-style: chr19-9083751-C-T.
Other names: c.8610G>A, p.Met2870Ile (NM_001414686.1); c.8064G>A, p.Met2688Ile (NM_001414687.1, NM_024690.2); short protein forms M2688I, M2728I, M2870I.
Identifiers: ClinVar variation 3039165 (VCV003039165.2), dbSNP rs75665802, ClinGen allele CA9172048.
Genomic context (GRCh38, chr19:8,973,075, plus strand): 5'-GCTCCTATCTGGGTTACTTACTGTCTTAAGAACCAGTGCATCACCATTTGAGGTCTCTGA[C>T]ATGGTCAGGGTAGTCTCTGGGACTGTGCCAAGACTATCCGAAGCTATAGTCACCAGTGGG-3'
Protein context (NP_001388430.1, residues 2718-2738): LGTVPETTLT[Met2728Ile]SETSNGDALV